The following is an entry in ClinVar:

ClinVar aggregate classification (germline): Uncertain significance (1 of 4 stars; one submission).

Submission:

Labcorp Genetics (formerly Invitae), Labcorp
Classification: Uncertain significance. Last evaluated: 2023-05-08. Review status: criteria provided, single submitter. Criteria: Invitae Variant Classification Sherloc (09022015). Collection method: clinical testing. Allele origin: germline.
Comment: In summary, the available evidence is currently insufficient to determine the role of this variant in disease. Therefore, it has been classified as a Variant of Uncertain Significance. Algorithms developed to predict the effect of missense changes on protein structure and function output the following: SIFT: "Not Available"; PolyPhen-2: "Benign"; Align-GVGD: "Not Available". The leucine amino acid residue is found in multiple mammalian species, which suggests that this missense change does not adversely affect protein function. ClinVar contains an entry for this variant (Variation ID: 1429515). This variant has not been reported in the literature in individuals affected with MSH3-related conditions. This variant is not present in population databases (gnomAD no frequency). This sequence change replaces serine, which is neutral and polar, with leucine, which is neutral and non-polar, at codon 205 of the MSH3 protein (p.Ser205Leu).

NM_002439.5(MSH3):c.614C>T (p.Ser205Leu)

Gene: MSH3 (mutS homolog 3; plus strand). Cytogenetic location: 5q14.1.
Variant type: single nucleotide variant.
Coding change: c.614C>T on transcript NM_002439.5 (MANE Select); coding-DNA position 614, C replaced by T.
Protein change: p.Ser205Leu; replaces serine 205 with leucine.
Molecular consequence: missense variant.
Genome position (GRCh38, 1-based): chr5:80,670,131, C>T. VCF-style: chr5-80670131-C-T. GRCh37 (hg19) VCF-style: chr5-79965950-C-T.
Other names: short protein forms S205L.
Identifiers: ClinVar variation 1429515 (VCV001429515.6), dbSNP rs2112812174, ClinGen allele CA360266357.